The following is an entry in ClinVar:

NM_001378615.1(CC2D2A):c.717+5T>G

Genes: CC2D2A (coiled-coil and C2 domain containing 2A; plus strand), FBXL5 (F-box and leucine rich repeat protein 5; minus strand). Cytogenetic location: 4p15.32.
Variant type: single nucleotide variant.
Coding change: c.717+5T>G on transcript NM_001378615.1 (MANE Select); 5 bases into the intron after coding-DNA position 717, T replaced by G.
Molecular consequence: intron variant.
Genome position (GRCh38, 1-based): chr4:15,511,428, T>G. VCF-style: chr4-15511428-T-G. GRCh37 (hg19) VCF-style: chr4-15513051-T-G.
Other names: c.717+5T>G (NM_001080522.2); c.570+5T>G (NM_001378617.1).
Identifiers: ClinVar variation 3034339 (VCV003034339.2), dbSNP rs2474912523, ClinGen allele CA2740091214.

ClinVar aggregate classification (germline): Likely benign (0 of 4 stars; one submission).

Conditions:
CC2D2A-related disorder. Also called: CC2D2A-related condition; CC2D2A-related disorders. Identifiers: MedGen CN239313.

Submission:

PreventionGenetics, part of Exact Sciences
Classification: Likely benign for CC2D2A-related condition. Last evaluated: 2019-06-17. Review status: no assertion criteria provided. Collection method: clinical testing. Allele origin: germline.
Comment: This variant is classified as likely benign based on ACMG/AMP sequence variant interpretation guidelines (Richards et al. 2015 PMID: 25741868, with internal and published modifications).